The following is an entry in ClinVar:

NM_198407.2(GHSR):c.354C>T (p.Leu118=)

Gene: GHSR (growth hormone secretagogue receptor; minus strand). Cytogenetic location: 3q26.31.
Variant type: single nucleotide variant.
Coding change: c.354C>T on transcript NM_198407.2 (MANE Select); coding-DNA position 354, C replaced by T.
Protein change: p.Leu118=; no amino-acid change (leucine 118 retained).
Molecular consequence: synonymous variant.
Genome position (GRCh38, 1-based): chr3:172,448,060, G>A on the plus strand (C>T on the coding strand, the complement: GHSR is on the minus strand). VCF-style: chr3-172448060-G-A. GRCh37 (hg19) VCF-style: chr3-172165850-G-A.
Other names: c.354C>T, p.Leu118= (NM_004122.2).
Identifiers: ClinVar variation 900227 (VCV000900227.12), dbSNP rs2232167, ClinGen allele CA2706488.

ClinVar aggregate classification (germline): Benign/Likely benign. Review status: criteria provided, multiple submitters, no conflicts (2 of 4 stars). 3 submissions from 3 submitters: Benign (2); Likely benign (1). Last evaluated 2026-01-24.

Conditions:
Short stature due to growth hormone secretagogue receptor deficiency (GHDP). Also called: Short stature due to GHSR deficiency. Identifiers: Orphanet 314811, MedGen C5887324, MONDO:0014403, OMIM 615925.

Allele frequency attached by ClinVar (database versions not stated): gnomAD 0.00034 and 0.00042; TOPMed 0.00068; 1000 Genomes Project 0.00200; 1000 Genomes Project 30x 0.00219.

Submissions (3):

Labcorp Genetics (formerly Invitae), Labcorp
Classification: Benign. Last evaluated: 2026-01-24. Review status: criteria provided, single submitter. Criteria: Invitae Variant Classification Sherloc (09022015). Collection method: clinical testing. Allele origin: germline.

Blueprint Genetics
Classification: Likely benign. Last evaluated: 2024-11-21. Review status: criteria provided, single submitter. Criteria: ACMG Guidelines, 2015. Collection method: clinical testing. Allele origin: germline.

Illumina Laboratory Services, Illumina
Classification: Benign for Short stature due to growth hormone secretagogue receptor deficiency. Last evaluated: 2018-01-12. Review status: criteria provided, single submitter. Criteria: ICSL Variant Classification Criteria 13 December 2019. Collection method: clinical testing. Allele origin: germline.
Comment: This variant was observed in the ICSL laboratory as part of a predisposition screen in an ostensibly healthy population. It had not been previously curated by ICSL or reported in the Human Gene Mutation Database (HGMD: prior to June 1st, 2018), and was therefore a candidate for classification through an automated scoring system. Utilizing variant allele frequency, disease prevalence and penetrance estimates, and inheritance mode, an automated score was calculated to assess if this variant is too frequent to cause the disease. Based on the score and internal cut-off values, a variant classified as benign is not then subjected to further curation. The score for this variant resulted in a classification of benign for this disease.